The following is an entry in ClinVar:

NM_018082.6(POLR3B):c.2069G>A (p.Gly690Glu)

Gene: POLR3B (RNA polymerase III subunit B; plus strand). Cytogenetic location: 12q23.3.
Variant type: single nucleotide variant.
Coding change: c.2069G>A on transcript NM_018082.6 (MANE Select); coding-DNA position 2069, G replaced by A.
Protein change: p.Gly690Glu; replaces glycine 690 with glutamic acid.
Molecular consequence: missense variant.
Genome position (GRCh38, 1-based): chr12:106,444,576, G>A. VCF-style: chr12-106444576-G-A. GRCh37 (hg19) VCF-style: chr12-106838354-G-A.
Other names: c.1895G>A, p.Gly632Glu (NM_001160708.2); short protein forms G632E, G690E.
Identifiers: ClinVar variation 2845824 (VCV002845824.3), dbSNP rs2542142204, ClinGen allele CA386391389.

ClinVar aggregate classification (germline): Uncertain significance (1 of 4 stars; one submission).

Submission:

Labcorp Genetics (formerly Invitae), Labcorp
Classification: Uncertain significance. Last evaluated: 2023-03-20. Review status: criteria provided, single submitter. Criteria: Invitae Variant Classification Sherloc (09022015). Collection method: clinical testing. Allele origin: germline.
Comment: In summary, the available evidence is currently insufficient to determine the role of this variant in disease. Therefore, it has been classified as a Variant of Uncertain Significance. Algorithms developed to predict the effect of sequence changes on RNA splicing suggest that this variant may create or strengthen a splice site. Advanced modeling of protein sequence and biophysical properties (such as structural, functional, and spatial information, amino acid conservation, physicochemical variation, residue mobility, and thermodynamic stability) performed at Invitae indicates that this missense variant is expected to disrupt POLR3B protein function. This variant has not been reported in the literature in individuals affected with POLR3B-related conditions. This variant is not present in population databases (gnomAD no frequency). This sequence change replaces glycine, which is neutral and non-polar, with glutamic acid, which is acidic and polar, at codon 690 of the POLR3B protein (p.Gly690Glu).